The following is an entry in ClinVar:

ClinVar aggregate classification (germline): Pathogenic (1 of 4 stars; one submission).

Conditions:
Sandhoff disease. Also called: HEXOSAMINIDASES A AND B DEFICIENCY; Beta-hexosaminidase-beta-subunit deficiency; GM2 gangliosidosis, type 2; Total hexosaminidase deficiency; Sandhoff-Jatzkewitz-Pilz disease; GM2-GANGLIOSIDOSIS, TYPE II. Identifiers: Orphanet 796, MedGen C0036161, MONDO:0010006, OMIM 268800.

Submission:

Myriad Genetics, Inc.
Classification: Pathogenic for Sandhoff disease. Last evaluated: 2025-03-04. Review status: criteria provided, single submitter. Criteria: Myriad Autosomal Dominant, Autosomal Recessive and X-Linked Classification Criteria (2023). Collection method: clinical testing. Allele origin: unknown.
Comment: NM_000521.3(HEXB):c.1102C>T(Q368*) is expected to be pathogenic in the context of Sandhoff disease. This variant is predicted to lead to an abnormal or absent protein product due to the creation of a premature termination codon in HEXB, a gene where loss-of-function variants are known to be pathogenic. Please note: this variant was assessed in the context of healthy population screening.

NM_000521.4(HEXB):c.1102C>T (p.Gln368Ter)

Gene: HEXB (hexosaminidase subunit beta; plus strand). Cytogenetic location: 5q13.3.
Variant type: single nucleotide variant.
Coding change: c.1102C>T on transcript NM_000521.4 (MANE Select); coding-DNA position 1102, C replaced by T.
Protein change: p.Gln368Ter; replaces glutamine 368 with a stop codon.
Molecular consequence: nonsense.
Genome position (GRCh38, 1-based): chr5:74,716,606, C>T. VCF-style: chr5-74716606-C-T. GRCh37 (hg19) VCF-style: chr5-74012431-C-T.
Other names: c.427C>T, p.Gln143Ter (NM_001292004.2); short protein forms Q143*, Q368*.
Identifiers: ClinVar variation 5014178 (VCV005014178.1).